The following is an entry in ClinVar:

NM_022114.4(PRDM16):c.787G>A (p.Gly263Ser)

Gene: PRDM16 (PR/SET domain 16; plus strand). Cytogenetic location: 1p36.32.
Variant type: single nucleotide variant.
Coding change: c.787G>A on transcript NM_022114.4 (MANE Select); coding-DNA position 787, G replaced by A.
Protein change: p.Gly263Ser; replaces glycine 263 with serine.
Molecular consequence: missense variant.
Genome position (GRCh38, 1-based): chr1:3,402,901, G>A. VCF-style: chr1-3402901-G-A. GRCh37 (hg19) VCF-style: chr1-3319465-G-A.
Other names: c.787G>A, p.Gly263Ser (NM_199454.3); short protein forms G263S.
Identifiers: ClinVar variation 1314778 (VCV001314778.3), dbSNP rs1478144781, ClinGen allele CA338003198.

ClinVar aggregate classification (germline): Uncertain significance. Review status: criteria provided, multiple submitters, no conflicts (2 of 4 stars). 2 submissions from 2 submitters: Uncertain significance (2). Last evaluated 2023-03-20.

Conditions:
PRDM16-related disorder. Also called: PRDM16-related condition.

Allele frequency attached by ClinVar (database versions not stated): gnomAD exomes below 0.00001.

Submissions (2):

PreventionGenetics, part of Exact Sciences
Classification: Uncertain significance for PRDM16-related condition. Last evaluated: 2023-03-20. Review status: criteria provided, single submitter. Criteria: ACMG Guidelines, 2015. Collection method: clinical testing. Allele origin: germline.
Comment: The PRDM16 c.787G>A variant is predicted to result in the amino acid substitution p.Gly263Ser. To our knowledge, this variant has not been reported in the literature. This variant is reported in 0.00089% of alleles in individuals of European (Non-Finnish) descent in gnomAD. At this time, the clinical significance of this variant is uncertain due to the absence of conclusive functional and genetic evidence.

GeneDx
Classification: Uncertain significance. Last evaluated: 2021-04-19. Review status: criteria provided, single submitter. Criteria: GeneDx Variant Classification Process June 2021. Collection method: clinical testing. Allele origin: germline. Affected: yes.
Comment: Not observed at a significant frequency in large population cohorts (Lek et al., 2016); In silico analysis supports that this missense variant does not alter protein structure/function; Has not been previously published as pathogenic or benign to our knowledge